The following is an entry in ClinVar:

NM_001277115.2(DNAH11):c.4095+1G>A

Gene: DNAH11 (dynein axonemal heavy chain 11; plus strand). Cytogenetic location: 7p15.3.
Variant type: single nucleotide variant.
Coding change: c.4095+1G>A on transcript NM_001277115.2 (MANE Select); the canonical splice donor site of the intron after coding-DNA position 4095, G replaced by A.
Molecular consequence: splice donor variant. On other transcripts: missense variant (1).
Genome position (GRCh38, 1-based): chr7:21,616,293, G>A. VCF-style: chr7-21616293-G-A. GRCh37 (hg19) VCF-style: chr7-21655911-G-A.
Other names: c.4096G>A, p.Ala1366Thr (NM_003777.3); short protein forms A1366T.
Identifiers: ClinVar variation 3026645 (VCV003026645.23), dbSNP rs2534694045, ClinGen allele CA366951565.

ClinVar aggregate classification (germline): Pathogenic/Likely pathogenic. Review status: criteria provided, multiple submitters, no conflicts (2 of 4 stars). 2 submissions from 2 submitters: Pathogenic (1); Likely pathogenic (1). Last evaluated 2025-06-22.

Conditions:
Primary ciliary dyskinesia. Also called: Ciliary dyskinesia. Identifiers: Orphanet 244, MedGen C0008780, MONDO:0016575, HP:0012265.

Allele frequency attached by ClinVar (database versions not stated): gnomAD exomes below 0.00001.
gnomAD v4.1: 1 of 1,610,528 alleles (0.000062%); highest among the groups gnomAD compares: Admixed American, 0.0017%; no homozygotes.

Submissions (2):

Labcorp Genetics (formerly Invitae), Labcorp
Classification: Pathogenic for Primary ciliary dyskinesia. Last evaluated: 2025-06-22. Review status: criteria provided, single submitter. Criteria: Invitae Variant Classification Sherloc (09022015). Collection method: clinical testing. Allele origin: germline.
Comment: This sequence change affects a donor splice site in intron 22 of the DNAH11 gene. It is expected to disrupt RNA splicing. Variants that disrupt the donor or acceptor splice site typically lead to a loss of protein function (PMID: 16199547), and loss-of-function variants in DNAH11 are known to be pathogenic (PMID: 18022865, 20513915, 22184204). This variant is not present in population databases (gnomAD no frequency). Disruption of this splice site has been observed in individuals with primary ciliary dyskinesia (PMID: 37088965; internal data). ClinVar contains an entry for this variant (Variation ID: 3026645). Algorithms developed to predict the effect of sequence changes on RNA splicing suggest that this variant may disrupt the consensus splice site. For these reasons, this variant has been classified as Pathogenic.

CeGaT Center for Human Genetics Tuebingen
Classification: Likely pathogenic. Last evaluated: 2023-12-01. Review status: criteria provided, single submitter. Criteria: CeGaT Center For Human Genetics Tuebingen Variant Classification Criteria Version 2. Collection method: clinical testing. Allele origin: germline. Affected: yes. Observed: 1 variant allele.
Comment: DNAH11: PVS1:Strong, PM2, PP4

Literature cited by the submitters: PubMed 16199547 (cited by Labcorp Genetics (formerly Invitae), Labcorp); PubMed 18022865 (cited by Labcorp Genetics (formerly Invitae), Labcorp); PubMed 20513915 (cited by Labcorp Genetics (formerly Invitae), Labcorp); PubMed 22184204 (cited by Labcorp Genetics (formerly Invitae), Labcorp); PubMed 37088965 (cited by Labcorp Genetics (formerly Invitae), Labcorp).